The following is an entry in ClinVar:

NM_017946.4(FKBP14):c.134G>A (p.Gly45Glu)

Genes: FKBP14 (FKBP prolyl isomerase 14; minus strand), FKBP14-AS1 (FKBP14 antisense RNA 1; plus strand). Cytogenetic location: 7p14.3.
Variant type: single nucleotide variant.
Coding change: c.134G>A on transcript NM_017946.4 (MANE Select); coding-DNA position 134, G replaced by A.
Protein change: p.Gly45Glu; replaces glycine 45 with glutamic acid.
Molecular consequence: missense variant. On other transcripts: non-coding transcript variant (2).
Genome position (GRCh38, 1-based): chr7:30,026,375, C>T on the plus strand (G>A on the coding strand, the complement: FKBP14 is on the minus strand). VCF-style: chr7-30026375-C-T. GRCh37 (hg19) VCF-style: chr7-30065991-C-T.
Other names: short protein forms G45E.
Identifiers: ClinVar variation 1770570 (VCV001770570.2), dbSNP rs1790172789, ClinGen allele CA367117831.

ClinVar aggregate classification (germline): Uncertain significance (1 of 4 stars; one submission).

Conditions:
Cardiovascular phenotype. Identifiers: MedGen CN230736.

Allele frequency attached by ClinVar (database versions not stated): gnomAD exomes below 0.00001.
gnomAD v4.1: 1 of 1,614,100 alleles (0.000062%); highest among the groups gnomAD compares: African/African-American, 0.0013%; no homozygotes.

Submission:

Ambry Genetics
Classification: Uncertain significance for Cardiovascular phenotype. Last evaluated: 2021-12-03. Review status: criteria provided, single submitter. Criteria: Ambry Variant Classification Scheme 2023. Collection method: clinical testing. Allele origin: germline.
Comment: The p.G45E variant (also known as c.134G>A), located in coding exon 1 of the FKBP14 gene, results from a G to A substitution at nucleotide position 134. The glycine at codon 45 is replaced by glutamic acid, an amino acid with similar properties. This amino acid position is conserved. In addition, this alteration is predicted to be deleterious by in silico analysis. Since supporting evidence is limited at this time, the clinical significance of this alteration remains unclear.